The following is an entry in ClinVar:

ClinVar aggregate classification (germline): Pathogenic (1 of 4 stars; one submission).

Conditions:
Mucopolysaccharidosis, MPS-III-D (MPS3D). Also called: N-ACETYLGLUCOSAMINE-6-SULFATASE DEFICIENCY; SANFILIPPO SYNDROME D; MPS III D; Mucopoly-saccharidosis type 3D; N-acetylglucosamine-6-sulfate sulfatase deficiency; MPS 3D. Identifiers: Orphanet 581, Orphanet 79272, MedGen C0086650, MONDO:0009658, OMIM 252940.

Submission:

Labcorp Genetics (formerly Invitae), Labcorp
Classification: Pathogenic for Mucopolysaccharidosis, MPS-III-D. Last evaluated: 2022-05-13. Review status: criteria provided, single submitter. Criteria: Invitae Variant Classification Sherloc (09022015). Collection method: clinical testing. Allele origin: germline.
Comment: For these reasons, this variant has been classified as Pathogenic. This variant has not been reported in the literature in individuals affected with GNS-related conditions. This variant is not present in population databases (gnomAD no frequency). This sequence change creates a premature translational stop signal (p.Lys149Asnfs*3) in the GNS gene. It is expected to result in an absent or disrupted protein product. Loss-of-function variants in GNS are known to be pathogenic (PMID: 20232353).

Literature cited by the submitters: PubMed 20232353.

NM_002076.4(GNS):c.441del (p.Lys149fs)

Gene: GNS (glucosamine (N-acetyl)-6-sulfatase; minus strand). Cytogenetic location: 12q14.3.
Variant type: Deletion.
Coding change: c.441del on transcript NM_002076.4 (MANE Select); coding-DNA position 441, one base deleted (A; older notation c.441delA).
Protein change: p.Lys149fs; shifts the reading frame from lysine 149.
Molecular consequence: frameshift variant.
Genome position (GRCh38, 1-based): chr12:64,747,730, T deleted on the plus strand (A on the coding strand, the reverse complement: GNS is on the minus strand). VCF-style (leftmost placement, unchanged base first): chr12-64747729-CT-C. GRCh37 (hg19) VCF-style: chr12-65141509-CT-C.
Other names: short protein forms K149fs.
Identifiers: ClinVar variation 2135833 (VCV002135833.4), dbSNP rs2539527738, ClinGen allele CA2580086643.